The following is an entry in ClinVar:

NM_001876.4(CPT1A):c.635G>T (p.Gly212Val)

Gene: CPT1A (carnitine palmitoyltransferase 1A; minus strand). Cytogenetic location: 11q13.3.
Variant type: single nucleotide variant.
Coding change: c.635G>T on transcript NM_001876.4 (MANE Select); coding-DNA position 635, G replaced by T.
Protein change: p.Gly212Val; replaces glycine 212 with valine.
Molecular consequence: missense variant.
Genome position (GRCh38, 1-based): chr11:68,799,276, C>A on the plus strand (G>T on the coding strand, the complement: CPT1A is on the minus strand). VCF-style: chr11-68799276-C-A. GRCh37 (hg19) VCF-style: chr11-68566744-C-A.
Other names: c.635G>T, p.Gly212Val (NM_001031847.3); short protein forms G212V.
Identifiers: ClinVar variation 2228233 (VCV002228233.3), dbSNP rs371000221, ClinGen allele CA6152604.
Genomic context (GRCh38, chr11:68,799,276, plus strand): 5'-ACGTAATTTGTAGCCCACCAGGATTTTAACTTCAAATACCACTGTAATCTTGGTCCAAGA[C>A]CGACAGCAAAATCTTGAGCAAGTGCTGTCATCCGTTTGAAGTCTTCTTCCTTCATAAGAG-3'
Protein context (NP_001867.2, residues 202-222): MTALAQDFAV[Gly212Val]LGPRLQWYLK

ClinVar aggregate classification (germline): Uncertain significance. Review status: criteria provided, multiple submitters, no conflicts (2 of 4 stars). 2 submissions from 2 submitters: Uncertain significance (2). Last evaluated 2025-01-23.

Conditions:
Inborn genetic diseases. Identifiers: MedGen C0950123, MeSH D030342.
CPT1A-related disorder. Also called: CPT1A-related condition.

Allele frequency attached by ClinVar (database versions not stated): gnomAD 0.00001; ExAC 0.00002; TOPMed 0.00003; ESP Exome Variant Server 0.00008.
gnomAD v4.1: 7 of 1,613,942 alleles (0.00043%); highest among the groups gnomAD compares: African/African-American, 0.0093%; no homozygotes.

Submissions (2):

PreventionGenetics, part of Exact Sciences
Classification: Uncertain significance for CPT1A-related condition. Last evaluated: 2025-01-23. Review status: criteria provided, single submitter. Criteria: ACMG Guidelines, 2015. Collection method: clinical testing. Allele origin: germline.
Comment: The CPT1A c.635G>T variant is predicted to result in the amino acid substitution p.Gly212Val. To our knowledge, this variant has not been reported in the literature. This variant is reported in 0.028% of alleles in individuals of African descent in gnomAD. At this time, the clinical significance of this variant is uncertain due to the absence of conclusive functional and genetic evidence.

Ambry Genetics
Classification: Uncertain significance for Inborn genetic diseases. Last evaluated: 2020-12-08. Review status: criteria provided, single submitter. Criteria: Ambry Variant Classification Scheme 2023. Collection method: clinical testing. Allele origin: germline.
Comment: The c.635G>T (p.G212V) alteration is located in exon 6 (coding exon 5) of the CPT1A gene. This alteration results from a G to T substitution at nucleotide position 635, causing the glycine (G) at amino acid position 212 to be replaced by a valine (V). The p.G212V alteration is predicted to be tolerated by in silico analysis. Based on insufficient or conflicting evidence, the clinical significance of this alteration remains unclear.